The following is an entry in ClinVar:

ClinVar aggregate classification (germline): Conflicting classifications of pathogenicity. Review status: criteria provided, conflicting classifications (1 of 4 stars). 5 submissions from 5 submitters: Uncertain significance (4); Likely benign (1). Last evaluated 2026-01-29.

Conditions:
Hereditary cancer-predisposing syndrome. Also called: Hereditary neoplastic syndrome; Neoplastic Syndromes, Hereditary; Tumor predisposition; Hereditary Cancer Syndrome. Identifiers: Orphanet 140162, MedGen C0027672, MeSH D009386, MONDO:0015356.
Hereditary breast ovarian cancer syndrome. Also called: Hereditary breast and ovarian cancer syndrome (HBOC); Breast and ovarian cancer; Hereditary breast and ovarian cancer syndrome; Hereditary breast and ovarian cancer; Hereditary breast and/or ovarian cancer syndrome; BRCA1- and BRCA2-Associated Hereditary Breast and Ovarian Cancer. Identifiers: Orphanet 145, MedGen C0677776, MeSH D061325, MONDO:0003582. Disease mechanism: loss of function.
Breast-ovarian cancer, familial, susceptibility to, 2 (BROVCA2). Also called: BRCA2 Hereditary Breast and Ovarian Cancer. Identifiers: Orphanet 145, MedGen C2675520, MONDO:0012933, OMIM 612555. Disease mechanism: loss of function.

Allele frequency attached by ClinVar (database versions not stated): ExAC 0.00001; gnomAD exomes 0.00001.
gnomAD v4.1: 3 of 1,598,700 alleles (0.00019%); highest among the groups gnomAD compares: East Asian, 0.0067%; no homozygotes.

Submissions (5):

Labcorp Genetics (formerly Invitae), Labcorp
Classification: Uncertain significance for Hereditary breast ovarian cancer syndrome. Last evaluated: 2026-01-29. Review status: criteria provided, single submitter. Criteria: Invitae Variant Classification Sherloc (09022015). Collection method: clinical testing. Allele origin: germline.
Comment: This sequence change replaces valine, which is neutral and non-polar, with leucine, which is neutral and non-polar, at codon 2166 of the BRCA2 protein (p.Val2166Leu). The frequency data for this variant in the population databases is considered unreliable, as metrics indicate poor data quality at this position in the gnomAD database. This missense change has been observed in individual(s) with breast and/or ovarian cancer (PMID: 17100994, 27383479, 28111427, 31336956). ClinVar contains an entry for this variant (Variation ID: 481505). Invitae Evidence Modeling of protein sequence and biophysical properties (such as structural, functional, and spatial information, amino acid conservation, physicochemical variation, residue mobility, and thermodynamic stability) indicates that this missense variant is not expected to disrupt BRCA2 protein function with a negative predictive value of 95%. In summary, the available evidence is currently insufficient to determine the role of this variant in disease. Therefore, it has been classified as a Variant of Uncertain Significance.

Ambry Genetics
Classification: Uncertain significance for Hereditary cancer-predisposing syndrome. Last evaluated: 2024-03-13. Review status: criteria provided, single submitter. Criteria: Ambry Variant Classification Scheme 2023. Collection method: clinical testing. Allele origin: germline.
Comment: The p.V2166L variant (also known as c.6496G>T), located in coding exon 10 of the BRCA2 gene, results from a G to T substitution at nucleotide position 6496. The valine at codon 2166 is replaced by leucine, an amino acid with highly similar properties. This alteration has been identified in multiple individuals diagnosed with breast and/or ovarian cancer (Han SH et al. Clin. Genet., 2006 Dec;70:496-501; Shin S et al. Breast Cancer Res Treat, 2016 08;158:433-40; Concolino P et al. Int J Mol Sci, 2019 Jul;20:; Santonocito C et al. Cancers (Basel), 2020 May;12:). This amino acid position is not well conserved in available vertebrate species. In addition, this alteration is predicted to be tolerated by in silico analysis. Based on the available evidence, the clinical significance of this alteration remains unclear.

All of Us Research Program, National Institutes of Health
Classification: Uncertain significance for Breast-ovarian cancer, familial, susceptibility to, 2. Last evaluated: 2023-12-07. Review status: criteria provided, single submitter. Criteria: ACMG Guidelines, 2015. Collection method: clinical testing. Allele origin: germline. Inheritance: Autosomal dominant inheritance. Observed: 2 variant alleles, 2 heterozygotes.
Comment: This missense variant replaces valine with leucine at codon 2166 of the BRCA2 protein. Computational prediction suggests that this variant may not impact protein structure and function (internally defined REVEL score threshold <= 0.5, PMID: 27666373). To our knowledge, functional studies have not been reported for this variant. This variant has been reported in at least six individuals with a personal or family history of breast or ovarian cancer (PMID: 16949048, 17100994, 27383479, 28111427, 31336956, 32438681, 33471991; Leiden Open Variation Database DB-ID BRCA2_007600, 35150867). This variant has been identified in 3/237576 chromosomes in the general population by the Genome Aggregation Database (gnomAD). The available evidence is insufficient to determine the role of this variant in disease conclusively. Therefore, this variant is classified as a Variant of Uncertain Significance.

This study involves interpretation of variants in research participants for the purpose of population health screening. Participant phenotype was not available at the time of variant classification. Additional details can be found in publication PMID: 35346344, PMCID: PMC8962531

Color Diagnostics, LLC DBA Color Health
Classification: Uncertain significance for Hereditary cancer-predisposing syndrome. Last evaluated: 2023-10-25. Review status: criteria provided, single submitter. Criteria: ACMG Guidelines, 2015. Collection method: clinical testing. Allele origin: germline.
Comment: This missense variant replaces valine with leucine at codon 2166 of the BRCA2 protein. Computational prediction suggests that this variant may not impact protein structure and function (internally defined REVEL score threshold <= 0.5, PMID: 27666373). To our knowledge, functional studies have not been reported for this variant. This variant has been reported in at least six individuals with a personal or family history of breast or ovarian cancer (PMID: 16949048, 17100994, 27383479, 28111427, 31336956, 32438681, 33471991; Leiden Open Variation Database DB-ID BRCA2_007600, 35150867). This variant has been identified in 3/237576 chromosomes in the general population by the Genome Aggregation Database (gnomAD). The available evidence is insufficient to determine the role of this variant in disease conclusively. Therefore, this variant is classified as a Variant of Uncertain Significance.

University of Washington Department of Laboratory Medicine, University of Washington
Classification: Likely benign for Hereditary cancer-predisposing syndrome. Last evaluated: 2023-03-23. Review status: criteria provided, single submitter. Criteria: Dines et al. (Genet Med. 2020). Collection method: curation. Allele origin: germline.
Comment: Missense variant in a coldspot region where missense variants are very unlikely to be pathogenic (PMID:31911673).

BRCA2 exon 11 coldspot. Reclassification based on statistical prior probability.

Literature cited by the submitters: PubMed 17100994 (cited by 4 submitters); PubMed 27383479 (cited by 4 submitters); PubMed 28111427 (cited by 4 submitters); PubMed 31336956 (cited by 4 submitters); PubMed 16949048 (cited by 3 submitters); PubMed 32438681 (cited by 3 submitters); PubMed 33471991 (cited by All of Us Research Program, National Institutes of Health and Color Diagnostics, LLC DBA Color Health); PubMed 35150867 (cited by Color Diagnostics, LLC DBA Color Health).

NM_000059.4(BRCA2):c.6496G>T (p.Val2166Leu)

Gene: BRCA2 (BRCA2 DNA repair associated; plus strand). Cytogenetic location: 13q13.1.
Variant type: single nucleotide variant.
Coding change: c.6496G>T on transcript NM_000059.4 (MANE Select); coding-DNA position 6496, G replaced by T.
Protein change: p.Val2166Leu; replaces valine 2166 with leucine.
Molecular consequence: missense variant.
Genome position (GRCh38, 1-based): chr13:32,340,851, G>T. VCF-style: chr13-32340851-G-T. GRCh37 (hg19) VCF-style: chr13-32914988-G-T.
Other names: short protein forms V2166L.
Identifiers: ClinVar variation 481505 (VCV000481505.18), dbSNP rs750084851, ClinGen allele CA6940964.